The following is an entry in ClinVar:

ClinVar aggregate classification (germline): Pathogenic (1 of 4 stars; one submission).

Conditions:
Alagille syndrome due to a JAG1 point mutation. Also called: HEPATIC DUCTULAR HYPOPLASIA, SYNDROMATIC; Alagille Syndrome 1; JAG1-Related Alagille Syndrome. Identifiers: Orphanet 261619, Orphanet 52, MedGen C1956125, MONDO:0016862, OMIM 118450.

Submission:

Labcorp Genetics (formerly Invitae), Labcorp
Classification: Pathogenic for Alagille syndrome due to a JAG1 point mutation. Last evaluated: 2026-01-02. Review status: criteria provided, single submitter. Criteria: Invitae Variant Classification Sherloc (09022015). Collection method: clinical testing. Allele origin: germline.
Comment: This sequence change creates a premature translational stop signal (p.Asn507Lysfs*23) in the JAG1 gene. It is expected to result in an absent or disrupted protein product. Loss-of-function variants in JAG1 are known to be pathogenic (PMID: 11180599). This variant is not present in population databases (gnomAD no frequency). This variant has not been reported in the literature in individuals affected with JAG1-related conditions. For these reasons, this variant has been classified as Pathogenic.

Literature cited by the submitters: PubMed 11180599.

NM_000214.3(JAG1):c.1521_1522del (p.Asn507fs)

Gene: JAG1 (jagged canonical Notch ligand 1; minus strand). Cytogenetic location: 20p12.2.
Variant type: Deletion.
Coding change: c.1521_1522del on transcript NM_000214.3 (MANE Select); coding-DNA positions 1521 to 1522, 2 bases deleted (CA; older notation c.1521_1522delCA).
Protein change: p.Asn507fs; shifts the reading frame from asparagine 507.
Molecular consequence: frameshift variant.
Genome position (GRCh38, 1-based): chr20:10,648,596-10,648,597, TG deleted on the plus strand (CA on the coding strand, the reverse complement: JAG1 is on the minus strand); deleting any 2 consecutive bases within chr20:10,648,596-10,648,598 gives the same sequence; the c. name uses the placement nearest the transcript's 3' end. VCF-style (leftmost placement, unchanged base first): chr20-10648595-CTG-C. GRCh37 (hg19) VCF-style: chr20-10629243-CTG-C.
Other names: short protein forms N507fs.
Identifiers: ClinVar variation 4734097 (VCV004734097.1).